The following is an entry in ClinVar:

NM_024420.3(PLA2G4A):c.1408A>G (p.Met470Val)

Gene: PLA2G4A (phospholipase A2 group IVA; plus strand). Cytogenetic location: 1q31.1.
Variant type: single nucleotide variant.
Coding change: c.1408A>G on transcript NM_024420.3 (MANE Select); coding-DNA position 1408, A replaced by G.
Protein change: p.Met470Val; replaces methionine 470 with valine.
Molecular consequence: missense variant.
Genome position (GRCh38, 1-based): chr1:186,956,173, A>G. VCF-style: chr1-186956173-A-G. GRCh37 (hg19) VCF-style: chr1-186925305-A-G.
Other names: p.Met470Val; c.1228A>G, p.Met410Val (NM_001311193.2); short protein forms M410V, M470V.
Identifiers: ClinVar variation 4138250 (VCV004138250.2).

ClinVar aggregate classification (germline): Uncertain significance. Review status: criteria provided, multiple submitters, no conflicts (2 of 4 stars). 2 submissions from 2 submitters: Uncertain significance (2). Last evaluated 2025-10-24.

Submissions (2):

Mayo Clinic Laboratories, Mayo Clinic
Classification: Uncertain significance. Last evaluated: 2025-10-24. Review status: criteria provided, single submitter. Criteria: ACMG Guidelines, 2015. Collection method: clinical testing. Allele origin: germline. Observed: 1 variant allele.
Comment: BP4

Ambry Genetics
Classification: Uncertain significance. Last evaluated: 2025-06-18. Review status: criteria provided, single submitter. Criteria: Ambry Variant Classification Scheme 2023. Collection method: clinical testing. Allele origin: germline.